The following is an entry in ClinVar:

NM_017947.4(MOCOS):c.1447A>C (p.Arg483=)

Gene: MOCOS (molybdenum cofactor sulfurase; plus strand). Cytogenetic location: 18q12.2.
Variant type: single nucleotide variant.
Coding change: c.1447A>C on transcript NM_017947.4 (MANE Select); coding-DNA position 1447, A replaced by C.
Protein change: p.Arg483=; no amino-acid change (arginine 483 retained).
Molecular consequence: synonymous variant.
Genome position (GRCh38, 1-based): chr18:36,215,627, A>C. VCF-style: chr18-36215627-A-C. GRCh37 (hg19) VCF-style: chr18-33795590-A-C.
Other names: c.1447A>C (NM_017947.2).
Identifiers: ClinVar variation 3583300 (VCV003583300.2).

ClinVar aggregate classification (germline): Conflicting classifications of pathogenicity. Review status: criteria provided, conflicting classifications (1 of 4 stars). 2 submissions from 2 submitters: Uncertain significance (1); Likely benign (1). Last evaluated 2026-01-05.

Conditions:
Xanthinuria type II. Also called: Xanthine dehydrogenase and aldehyde oxidase combined deficiency of; XDH and AOX dual deficiency. Identifiers: Orphanet 3467, Orphanet 93602, MedGen C1863688, MONDO:0011346, OMIM 603592.
MOCOS-related disorder. Also called: MOCOS-related condition.

gnomAD v4.1: 16 of 1,614,012 alleles (0.00099%); highest among the groups gnomAD compares: Middle Eastern, 0.016%; no homozygotes.

Submissions (2):

PreventionGenetics, part of Exact Sciences
Classification: Likely benign for MOCOS-related condition. Last evaluated: 2026-01-05. Review status: criteria provided, single submitter. Criteria: ACMG Guidelines, 2015. Collection method: clinical testing. Allele origin: germline.
Comment: This variant is classified as likely benign based on ACMG/AMP sequence variant interpretation guidelines (Richards et al. 2015 PMID: 25741868, with internal and published modifications).

Fulgent Genetics
Classification: Uncertain significance for Xanthinuria type II. Last evaluated: 2024-02-28. Review status: criteria provided, single submitter. Criteria: ACMG Guidelines, 2015. Collection method: clinical testing. Allele origin: germline.